The following is an entry in ClinVar:

ClinVar aggregate classification (germline): Uncertain significance. Review status: criteria provided, multiple submitters, no conflicts (2 of 4 stars). 3 submissions from 3 submitters: Uncertain significance (3). Last evaluated 2025-12-08.

Conditions:
Inborn genetic diseases. Identifiers: MedGen C0950123, MeSH D030342.

Allele frequency attached by ClinVar (database versions not stated): ExAC 0.00001; gnomAD exomes 0.00001; gnomAD 0.00003.
gnomAD v4.1: 25 of 1,613,670 alleles (0.0015%); highest among the groups gnomAD compares: Non-Finnish European, 0.0021%; no homozygotes.

Submissions (3):

Ambry Genetics
Classification: Uncertain significance for Inborn genetic diseases. Last evaluated: 2025-12-08. Review status: criteria provided, single submitter. Criteria: Ambry Variant Classification Scheme 2023. Collection method: clinical testing. Allele origin: germline.

Labcorp Genetics (formerly Invitae), Labcorp
Classification: Uncertain significance. Last evaluated: 2025-03-04. Review status: criteria provided, single submitter. Criteria: Invitae Variant Classification Sherloc (09022015). Collection method: clinical testing. Allele origin: germline.
Comment: This sequence change replaces serine, which is neutral and polar, with arginine, which is basic and polar, at codon 463 of the GRHL2 protein (p.Ser463Arg). This variant is present in population databases (rs763171411, gnomAD 0.003%). This variant has not been reported in the literature in individuals affected with GRHL2-related conditions. ClinVar contains an entry for this variant (Variation ID: 2497851). Invitae Evidence Modeling of protein sequence and biophysical properties (such as structural, functional, and spatial information, amino acid conservation, physicochemical variation, residue mobility, and thermodynamic stability) indicates that this missense variant is not expected to disrupt GRHL2 protein function with a negative predictive value of 80%. In summary, the available evidence is currently insufficient to determine the role of this variant in disease. Therefore, it has been classified as a Variant of Uncertain Significance.

GeneDx
Classification: Uncertain significance. Last evaluated: 2022-10-07. Review status: criteria provided, single submitter. Criteria: GeneDx Variant Classification Process June 2021. Collection method: clinical testing. Allele origin: germline. Affected: yes.
Comment: In silico analysis supports that this missense variant does not alter protein structure/function; Has not been previously published as pathogenic or benign to our knowledge

NM_024915.4(GRHL2):c.1389T>A (p.Ser463Arg)

Gene: GRHL2 (grainyhead like transcription factor 2; plus strand). Cytogenetic location: 8q22.3.
Variant type: single nucleotide variant.
Coding change: c.1389T>A on transcript NM_024915.4 (MANE Select); coding-DNA position 1389, T replaced by A.
Protein change: p.Ser463Arg; replaces serine 463 with arginine.
Molecular consequence: missense variant.
Genome position (GRCh38, 1-based): chr8:101,632,269, T>A. VCF-style: chr8-101632269-T-A. GRCh37 (hg19) VCF-style: chr8-102644497-T-A.
Other names: c.1341T>A, p.Ser447Arg (NM_001330593.2); short protein forms S447R, S463R.
Identifiers: ClinVar variation 2497851 (VCV002497851.3), dbSNP rs763171411, ClinGen allele CA4830563.
Genomic context (GRCh38, chr8:101,632,269, plus strand): 5'-TGTGTGATCCCATCCAGCCTCTGATGGGAAGTTGGCTGCCATACCTTTACAGAAGAAGAG[T>A]GACATCACCTACTTCAAAACCATGCCTGATCTCCACTCACAGCCAGTTCTCTTCATACCT-3'
Protein context (NP_079191.2, residues 453-473): KLAAIPLQKK[Ser463Arg]DITYFKTMPD